The following is an entry in ClinVar:

ClinVar aggregate classification (germline): Uncertain significance (1 of 4 stars; one submission).

Allele frequency attached by ClinVar (database versions not stated): ExAC 0.00002; ESP Exome Variant Server 0.00008; TOPMed 0.00009; gnomAD 0.00011; gnomAD exomes 0.00019.
gnomAD v4.1: 288 of 1,614,018 alleles (0.018%); highest among the groups gnomAD compares: Non-Finnish European, 0.024%; no homozygotes.

Submission:

Labcorp Genetics (formerly Invitae), Labcorp
Classification: Uncertain significance. Last evaluated: 2025-07-01. Review status: criteria provided, single submitter. Criteria: Invitae Variant Classification Sherloc (09022015). Collection method: clinical testing. Allele origin: germline.
Comment: This sequence change replaces arginine, which is basic and polar, with isoleucine, which is neutral and non-polar, at codon 717 of the EPHA4 protein (p.Arg717Ile). This variant is present in population databases (rs370645355, gnomAD 0.01%). This variant has not been reported in the literature in individuals affected with EPHA4-related conditions. ClinVar contains an entry for this variant (Variation ID: 2071912). Invitae Evidence Modeling of protein sequence and biophysical properties (such as structural, functional, and spatial information, amino acid conservation, physicochemical variation, residue mobility, and thermodynamic stability) indicates that this missense variant is expected to disrupt EPHA4 protein function with a positive predictive value of 80%. In summary, the available evidence is currently insufficient to determine the role of this variant in disease. Therefore, it has been classified as a Variant of Uncertain Significance.

NM_004438.5(EPHA4):c.2150G>T (p.Arg717Ile)

Gene: EPHA4 (EPH receptor A4; minus strand). Cytogenetic location: 2q36.1.
Variant type: single nucleotide variant.
Coding change: c.2150G>T on transcript NM_004438.5 (MANE Select); coding-DNA position 2150, G replaced by T.
Protein change: p.Arg717Ile; replaces arginine 717 with isoleucine.
Molecular consequence: missense variant.
Genome position (GRCh38, 1-based): chr2:221,436,595, C>A on the plus strand (G>T on the coding strand, the complement: EPHA4 is on the minus strand). VCF-style: chr2-221436595-C-A. GRCh37 (hg19) VCF-style: chr2-222301315-C-A.
Other names: c.2150G>T, p.Arg717Ile (NM_001304536.2, NM_001363748.2); c.1997G>T, p.Arg666Ile (NM_001304537.2); short protein forms R717I, R666I.
Identifiers: ClinVar variation 2071912 (VCV002071912.4), dbSNP rs370645355, ClinGen allele CA2134837.
Genomic context (GRCh38, chr2:221,436,595, plus strand): 5'-AAATACTTCATCCCAGACCCAATGCCACGAAGCATGCCCACCAGCTGAATGACTGTAAAT[C>A]TGCCATCATTTTTCTGCATAGAAAAGGAGTGAGGAACAATCTCATTAGCATTAGGCCAAG-3'
Protein context (NP_004429.1, residues 707-727): LDAFLRKNDG[Arg717Ile]FTVIQLVGML